The following is an entry in ClinVar:

NM_000787.4(DBH):c.1563-5A>G

Genes: DBH (dopamine beta-hydroxylase; plus strand), DBH-AS1 (DBH antisense RNA 1; minus strand). Cytogenetic location: 9q34.2.
Variant type: single nucleotide variant.
Coding change: c.1563-5A>G on transcript NM_000787.4 (MANE Select); 5 bases into the intron before coding-DNA position 1563, A replaced by G.
Molecular consequence: intron variant.
Genome position (GRCh38, 1-based): chr9:133,657,065, A>G. VCF-style: chr9-133657065-A-G. GRCh37 (hg19) VCF-style: chr9-136522187-A-G.
Identifiers: ClinVar variation 365667 (VCV000365667.18), dbSNP rs1611131, ClinGen allele CA5313608.

ClinVar aggregate classification (germline): Benign. Review status: criteria provided, multiple submitters, no conflicts (2 of 4 stars). 5 submissions from 5 submitters: Benign (5). Last evaluated 2026-02-04.

Conditions:
Orthostatic hypotension 1 (ORTHYP1). Also called: Dopamine beta-hydroxylase deficiency; Orthostatic hypotension 1, due to DBH deficiency; NORADRENALINE DEFICIENCY; NOREPINEPHRINE DEFICIENCY. Identifiers: Orphanet 230, MedGen C4746777, MONDO:0009123, OMIM 223360.

Allele frequency attached by ClinVar (database versions not stated): ESP Exome Variant Server 0.23297; 1000 Genomes Project 30x 0.23735; 1000 Genomes Project 0.24042; TOPMed 0.25486; gnomAD 0.25529 and 0.25682; ExAC 0.27337; gnomAD exomes 0.28398 and 0.28450.

Submissions (5):

Labcorp Genetics (formerly Invitae), Labcorp
Classification: Benign for Orthostatic hypotension 1. Last evaluated: 2026-02-04. Review status: criteria provided, single submitter. Criteria: Invitae Variant Classification Sherloc (09022015). Collection method: clinical testing. Allele origin: germline.

Genome-Nilou Lab
Classification: Benign for Orthostatic hypotension 1. Last evaluated: 2021-07-30. Review status: criteria provided, single submitter. Criteria: ACMG Guidelines, 2015. Collection method: clinical testing. Allele origin: germline. Affected: no.

GeneDx
Classification: Benign. Last evaluated: 2021-05-04. Review status: criteria provided, single submitter. Criteria: GeneDx Variant Classification Process June 2021. Collection method: clinical testing. Allele origin: germline. Affected: yes.

Illumina Laboratory Services, Illumina
Classification: Benign for Orthostatic hypotension 1. Last evaluated: 2018-01-13. Review status: criteria provided, single submitter. Criteria: ICSL Variant Classification Criteria 13 December 2019. Collection method: clinical testing. Allele origin: germline.
Comment: This variant was observed in the ICSL laboratory as part of a predisposition screen in an ostensibly healthy population. It had not been previously curated by ICSL or reported in the Human Gene Mutation Database (HGMD: prior to June 1st, 2018), and was therefore a candidate for classification through an automated scoring system. Utilizing variant allele frequency, disease prevalence and penetrance estimates, and inheritance mode, an automated score was calculated to assess if this variant is too frequent to cause the disease. Based on the score and internal cut-off values, a variant classified as benign is not then subjected to further curation. The score for this variant resulted in a classification of benign for this disease.

Breakthrough Genomics
Classification: Benign. Review status: criteria provided, single submitter. Criteria: ACMG Guidelines, 2015. Collection method: not provided. Allele origin: germline. Inheritance: Autosomal recessive inheritance. Affected: yes.